The following is an entry in ClinVar:

NM_198129.4(LAMA3):c.7745A>G (p.Asn2582Ser)

Gene: LAMA3 (laminin subunit alpha 3; plus strand). Cytogenetic location: 18q11.2.
Variant type: single nucleotide variant.
Coding change: c.7745A>G on transcript NM_198129.4 (MANE Select); coding-DNA position 7745, A replaced by G.
Protein change: p.Asn2582Ser; replaces asparagine 2582 with serine.
Molecular consequence: missense variant.
Genome position (GRCh38, 1-based): chr18:23,915,389, A>G. VCF-style: chr18-23915389-A-G. GRCh37 (hg19) VCF-style: chr18-21495353-A-G.
Other names: c.2918A>G, p.Asn973Ser (NM_000227.6); c.7577A>G, p.Asn2526Ser (NM_001127717.4); c.2750A>G, p.Asn917Ser (NM_001127718.4); short protein forms N2526S, N2582S, N917S, N973S.
Identifiers: ClinVar variation 1315022 (VCV001315022.4), dbSNP rs768596269, ClinGen allele CA8916736.
Genomic context (GRCh38, chr18:23,915,389, plus strand): 5'-TTGAATTAGATGACCTCAATGAAAATGTTCTGAGCTTGTACAACTTCAAAAAAACATTCA[A>G]TCTCAACACAACTGAAGTGGAGCCTTGTAGAAGGTAAATAAAATGTAGAAACCAGAAACT-3'
Protein context (NP_937762.2, residues 2572-2592): LSLYNFKKTF[Asn2582Ser]LNTTEVEPCR

ClinVar aggregate classification (germline): Uncertain significance. Review status: criteria provided, multiple submitters, no conflicts (2 of 4 stars). 2 submissions from 2 submitters: Uncertain significance (2). Last evaluated 2022-07-13.

Conditions:
Inborn genetic diseases. Identifiers: MedGen C0950123, MeSH D030342.

Allele frequency attached by ClinVar (database versions not stated): gnomAD 0.00001; gnomAD exomes 0.00001 and 0.00003; ExAC 0.00002; TOPMed 0.00002.
gnomAD v4.1: 14 of 1,613,820 alleles (0.00087%); highest among the groups gnomAD compares: Admixed American, 0.01%; no homozygotes.

Submissions (2):

Ambry Genetics
Classification: Uncertain significance for Inborn genetic diseases. Last evaluated: 2022-07-13. Review status: criteria provided, single submitter. Criteria: Ambry Variant Classification Scheme 2023. Collection method: clinical testing. Allele origin: germline.

GeneDx
Classification: Uncertain significance. Last evaluated: 2020-01-27. Review status: criteria provided, single submitter. Criteria: GeneDx Variant Classification Process June 2021. Collection method: clinical testing. Allele origin: germline. Affected: yes.
Comment: Has not been previously published as pathogenic or benign to our knowledge; In silico analysis, which includes protein predictors and evolutionary conservation, supports a deleterious effect